The following is an entry in ClinVar:

NM_007046.4(EMILIN1):c.156A>G (p.Pro52=)

Gene: EMILIN1 (elastin microfibril interfacer 1; plus strand). Cytogenetic location: 2p23.3.
Variant type: single nucleotide variant.
Coding change: c.156A>G on transcript NM_007046.4 (MANE Select); coding-DNA position 156, A replaced by G.
Protein change: p.Pro52=; no amino-acid change (proline 52 retained).
Molecular consequence: synonymous variant.
Genome position (GRCh38, 1-based): chr2:27,079,221, A>G. VCF-style: chr2-27079221-A-G. GRCh37 (hg19) VCF-style: chr2-27302089-A-G.
Identifiers: ClinVar variation 2650757 (VCV002650757.24), dbSNP rs750223152, ClinGen allele CA1568405.

ClinVar aggregate classification (germline): Likely benign (1 of 4 stars; one submission).

Allele frequency attached by ClinVar (database versions not stated): gnomAD exomes 0.00002; ExAC 0.00003; gnomAD 0.00003; TOPMed 0.00005; 1000 Genomes Project 30x 0.00016.

Submission:

CeGaT Center for Human Genetics Tuebingen
Classification: Likely benign. Last evaluated: 2023-02-01. Review status: criteria provided, single submitter. Criteria: CeGaT Center For Human Genetics Tuebingen Variant Classification Criteria Version 2. Collection method: clinical testing. Allele origin: germline. Affected: yes. Observed: 1 variant allele.
Comment: EMILIN1: BP4, BP7